The following is an entry in ClinVar:

ClinVar aggregate classification (germline): Uncertain significance. Review status: criteria provided, multiple submitters, no conflicts (2 of 4 stars). 2 submissions from 2 submitters: Uncertain significance (2). Last evaluated 2025-12-10.

Conditions:
Cardiovascular phenotype. Identifiers: MedGen CN230736.
Brugada syndrome 8 (BRGDA8). Identifiers: Orphanet 130, MedGen C2751083, MONDO:0013148, OMIM 613123.

Allele frequency attached by ClinVar (database versions not stated): gnomAD exomes 0.00001 and 0.00003; gnomAD 0.00002 and 0.00003; TOPMed 0.00003.
gnomAD v4.1: 13 of 1,549,834 alleles (0.00084%); highest among the groups gnomAD compares: African/African-American, 0.0081%; no homozygotes.

Submissions (2):

Labcorp Genetics (formerly Invitae), Labcorp
Classification: Uncertain significance for Brugada syndrome 8. Last evaluated: 2025-12-10. Review status: criteria provided, single submitter. Criteria: Invitae Variant Classification Sherloc (09022015). Collection method: clinical testing. Allele origin: germline.
Comment: This sequence change replaces proline, which is neutral and non-polar, with leucine, which is neutral and non-polar, at codon 928 of the HCN4 protein (p.Pro928Leu). The frequency data for this variant in the population databases is considered unreliable, as metrics indicate poor data quality at this position in the gnomAD database. This variant has not been reported in the literature in individuals affected with HCN4-related conditions. ClinVar contains an entry for this variant (Variation ID: 952322). Invitae Evidence Modeling of protein sequence and biophysical properties (such as structural, functional, and spatial information, amino acid conservation, physicochemical variation, residue mobility, and thermodynamic stability) indicates that this missense variant is not expected to disrupt HCN4 protein function with a negative predictive value of 95%. In summary, the available evidence is currently insufficient to determine the role of this variant in disease. Therefore, it has been classified as a Variant of Uncertain Significance.

Ambry Genetics
Classification: Uncertain significance for Cardiovascular phenotype. Last evaluated: 2025-11-25. Review status: criteria provided, single submitter. Criteria: Ambry Variant Classification Scheme 2023. Collection method: clinical testing. Allele origin: germline.
Comment: The p.P928L variant (also known as c.2783C>T), located in coding exon 8 of the HCN4 gene, results from a C to T substitution at nucleotide position 2783. The proline at codon 928 is replaced by leucine, an amino acid with similar properties. This amino acid position is conserved. In addition, this alteration is predicted to be tolerated by in silico analysis. Since supporting evidence is limited at this time, the clinical significance of this alteration remains unclear.

NM_005477.3(HCN4):c.2783C>T (p.Pro928Leu)

Gene: HCN4 (hyperpolarization activated cyclic nucleotide gated potassium channel 4; minus strand). Cytogenetic location: 15q24.1.
Variant type: single nucleotide variant.
Coding change: c.2783C>T on transcript NM_005477.3 (MANE Select); coding-DNA position 2783, C replaced by T.
Protein change: p.Pro928Leu; replaces proline 928 with leucine.
Molecular consequence: missense variant.
Genome position (GRCh38, 1-based): chr15:73,323,310, G>A on the plus strand (C>T on the coding strand, the complement: HCN4 is on the minus strand). VCF-style: chr15-73323310-G-A. GRCh37 (hg19) VCF-style: chr15-73615651-G-A.
Other names: short protein forms P928L.
Identifiers: ClinVar variation 952322 (VCV000952322.13), dbSNP rs1016286710, ClinGen allele CA272664258.